The following is an entry in ClinVar:

NM_144670.6(A2ML1):c.2173G>A (p.Glu725Lys)

Gene: A2ML1 (alpha-2-macroglobulin like 1; plus strand). Cytogenetic location: 12p13.31.
Variant type: single nucleotide variant.
Coding change: c.2173G>A on transcript NM_144670.6 (MANE Select); coding-DNA position 2173, G replaced by A.
Protein change: p.Glu725Lys; replaces glutamic acid 725 with lysine.
Molecular consequence: missense variant.
Genome position (GRCh38, 1-based): chr12:8,850,213, G>A. VCF-style: chr12-8850213-G-A. GRCh37 (hg19) VCF-style: chr12-9002809-G-A.
Other names: c.2173G>A (NM_144670.3); c.700G>A, p.Glu234Lys (NM_001282424.3); short protein forms E725K, E234K.
Identifiers: ClinVar variation 413810 (VCV000413810.18), dbSNP rs192221816, ClinGen allele CA6435931.

ClinVar aggregate classification (germline): Conflicting classifications of pathogenicity. Review status: criteria provided, conflicting classifications (1 of 4 stars). 6 submissions from 6 submitters: Uncertain significance (1); Benign (2); Likely benign (2). 1 of the submissions does not count toward it. Last evaluated 2026-02-04.

Conditions:
A2ML1-related disorder. Also called: A2ML1-related condition.

Allele frequency attached by ClinVar (database versions not stated): ESP Exome Variant Server 0.00084; gnomAD exomes 0.00096 and 0.00119; TOPMed 0.00107; ExAC 0.00109; gnomAD 0.00122 and 0.00123; 1000 Genomes Project 30x 0.00156; 1000 Genomes Project 0.00160.
gnomAD v4.1: 1,633 of 1,613,546 alleles (0.1%); highest among the groups gnomAD compares: Admixed American, 0.2%; no homozygotes.

Submissions (6):

Labcorp Genetics (formerly Invitae), Labcorp
Classification: Likely benign. Last evaluated: 2026-02-04. Review status: criteria provided, single submitter. Criteria: Invitae Variant Classification Sherloc (09022015). Collection method: clinical testing. Allele origin: germline.

Ambry Genetics
Classification: Uncertain significance. Last evaluated: 2025-03-23. Review status: criteria provided, single submitter. Criteria: Ambry Variant Classification Scheme 2023. Collection method: clinical testing. Allele origin: germline.
Comment: The p.E725K variant (also known as c.2173G>A), located in coding exon 18 of the A2ML1 gene, results from a G to A substitution at nucleotide position 2173. The glutamic acid at codon 725 is replaced by lysine, an amino acid with similar properties. This amino acid position is conserved. In addition, this alteration is predicted to be tolerated by in silico analysis. Since supporting evidence is limited at this time, the clinical significance of this alteration remains unclear.

Blueprint Genetics
Classification: Likely benign. Last evaluated: 2024-11-26. Review status: criteria provided, single submitter. Criteria: ACMG Guidelines, 2015. Collection method: clinical testing. Allele origin: germline.

Women's Health and Genetics/Laboratory Corporation of America, LabCorp
Classification: Benign. Last evaluated: 2019-10-08. Review status: criteria provided, single submitter. Criteria: LabCorp Variant Classification Summary - May 2015. Collection method: clinical testing. Allele origin: germline.
Comment: Variant summary: A2ML1 c.2173G>A (p.Glu725Lys) results in a conservative amino acid change in the encoded protein sequence. Five of five in-silico tools predict a benign effect of the variant on protein function. The variant allele was found at a frequency of 0.0012 in 248864 control chromosomes. The observed variant frequency is approximately 298 fold of the estimated maximal expected allele frequency for a pathogenic variant in A2ML1 causing Noonan Syndrome phenotype (4e-06), strongly suggesting that the variant is benign. To our knowledge, no occurrence of c.2173G>A in individuals affected with Noonan Syndrome and no experimental evidence demonstrating its impact on protein function have been reported. Two other clinical diagnostic laboratories have submitted clinical-significance assessments for this variant to ClinVar after 2014 without evidence for independent evaluation. Both laboratories classified the variant as benign/likely benign. Based on the evidence outlined above, the variant was classified as benign.

GeneDx
Classification: Benign. Last evaluated: 2017-08-28. Review status: criteria provided, single submitter. Criteria: GeneDx Variant Classification (06012015). Collection method: clinical testing. Allele origin: germline. Affected: yes.
Comment: This variant is considered likely benign or benign based on one or more of the following criteria: it is a conservative change, it occurs at a poorly conserved position in the protein, it is predicted to be benign by multiple in silico algorithms, and/or has population frequency not consistent with disease.

PreventionGenetics, part of Exact Sciences
Classification: Benign for A2ML1-related condition. Last evaluated: 2019-09-27. Review status: no assertion criteria provided. Collection method: clinical testing. Allele origin: germline. Not counted in ClinVar's aggregate classification.
Comment: This variant is classified as benign based on ACMG/AMP sequence variant interpretation guidelines (Richards et al. 2015 PMID: 25741868, with internal and published modifications).